The following is an entry in ClinVar:

ClinVar aggregate classification (germline): Uncertain significance (1 of 4 stars; one submission).

gnomAD v4.1: 1 of 1,612,124 alleles (0.000062%); highest among the groups gnomAD compares: South Asian, 0.0011%; no homozygotes.

Submission:

Ambry Genetics
Classification: Uncertain significance. Last evaluated: 2025-09-26. Review status: criteria provided, single submitter. Criteria: Ambry Variant Classification Scheme 2023. Collection method: clinical testing. Allele origin: germline.
Comment: The p.E1155Q variant (also known as c.3463G>C), located in coding exon 3 of the MLH3 gene, results from a G to C substitution at nucleotide position 3463. The glutamic acid at codon 1155 is replaced by glutamine, an amino acid with highly similar properties. This amino acid position is conserved. In addition, this alteration is predicted to be tolerated by in silico analysis. Based on the available evidence, the clinical significance of this variant remains unclear.

NM_001040108.2(MLH3):c.3463G>C (p.Glu1155Gln)

Gene: MLH3 (mutL homolog 3; minus strand). Cytogenetic location: 14q24.3.
Variant type: single nucleotide variant.
Coding change: c.3463G>C on transcript NM_001040108.2 (MANE Select); coding-DNA position 3463, G replaced by C.
Protein change: p.Glu1155Gln; replaces glutamic acid 1155 with glutamine.
Molecular consequence: missense variant.
Genome position (GRCh38, 1-based): chr14:75,041,617, C>G on the plus strand (G>C on the coding strand, the complement: MLH3 is on the minus strand). VCF-style: chr14-75041617-C-G. GRCh37 (hg19) VCF-style: chr14-75508320-C-G.
Other names: c.3463G>C, p.Glu1155Gln (NM_014381.3); short protein forms E1155Q.
Identifiers: ClinVar variation 4552074 (VCV004552074.1).